The following is an entry in ClinVar:

ClinVar aggregate classification (germline): Conflicting classifications of pathogenicity. Review status: criteria provided, conflicting classifications (1 of 4 stars). 3 submissions from 3 submitters: Likely pathogenic (2); Uncertain significance (1). Last evaluated 2025-08-04.

Conditions:
Bifunctional peroxisomal enzyme deficiency (DBIF). Also called: D-bifunctional protein deficiency; DBP DEFICIENCY; PBFE DEFICIENCY. Identifiers: Orphanet 300, MedGen C0342870, MONDO:0009855, OMIM 261515. Disease mechanism: loss of function.
Perrault syndrome. Also called: Gonadal dysgenesis with auditory dysfunction, autosomal recessive inheritance. Identifiers: Orphanet 2855, MedGen C0685838, MONDO:0017312.
Perrault syndrome 1 (PRLTS1). Also called: GONADAL DYSGENESIS, XX TYPE, WITH DEAFNESS; OVARIAN DYSGENESIS WITH SENSORINEURAL DEAFNESS. Identifiers: Orphanet 2855, Orphanet 642945, MedGen C4551721, MONDO:0009300, OMIM 233400.

Allele frequency attached by ClinVar (database versions not stated): gnomAD exomes below 0.00001 and 0.00002.
gnomAD v4.1: 30 of 1,613,826 alleles (0.0019%); highest among the groups gnomAD compares: East Asian, 0.0067%; no homozygotes.

Submissions (3):

Labcorp Genetics (formerly Invitae), Labcorp
Classification: Likely pathogenic for Perrault syndrome; Bifunctional peroxisomal enzyme deficiency. Last evaluated: 2025-08-04. Review status: criteria provided, single submitter. Criteria: Invitae Variant Classification Sherloc (09022015). Collection method: clinical testing. Allele origin: germline.
Comment: This sequence change replaces serine, which is neutral and polar, with phenylalanine, which is neutral and non-polar, at codon 372 of the HSD17B4 protein (p.Ser372Phe). This variant is present in population databases (no rsID available, gnomAD 0.0009%). This missense change has been observed in individual(s) with clinical features of Perrault syndrome (internal data). It has also been observed to segregate with disease in related individuals. ClinVar contains an entry for this variant (Variation ID: 1512224). Invitae Evidence Modeling of protein sequence and biophysical properties (such as structural, functional, and spatial information, amino acid conservation, physicochemical variation, residue mobility, and thermodynamic stability) has been performed for this missense variant. However, the output from this modeling did not meet the statistical confidence thresholds required to predict the impact of this variant on HSD17B4 protein function. In summary, the currently available evidence indicates that the variant is pathogenic, but additional data are needed to prove that conclusively. Therefore, this variant has been classified as Likely Pathogenic.

Clinical Omics and Informatics (COIN) Unit, Neuroscience Institute, University Of Cape Town
Classification: Likely pathogenic for Perrault syndrome 1. Last evaluated: 2025-02-10. Review status: criteria provided, single submitter. Criteria: ACMG Guidelines, 2015. Collection method: research. Allele origin: germline. Inheritance: Autosomal recessive inheritance. Affected: yes. Observed: 1 variant allele, 1 homozygote.
Comment: The highest population allele frequency in gnomAD v4.0 is 0.0001120 (0.011%; 7/62490 alleles in Remaining population) and there are no homozygous observations. PP3_Met: REVEL score is 0.749. PM3 Met: 0.5 points awarded for homozygous observation of variant in proband under assessment and 0.5 points awarded for homozygous observation of variant in proband with consistent phenotype for disorder (ClinVar SCV002305154.3). PP1 Met: variant segregates with 1 informative meiosis in 1 family (ClinVar SCV002305154.3). Sequencing funded by the International Centre for Genomic Medicine in Neuromuscular Diseases (ICGNMD).

Blueprint Genetics
Classification: Uncertain significance. Last evaluated: 2023-05-23. Review status: criteria provided, single submitter. Criteria: ACMG Guidelines, 2015. Collection method: clinical testing. Allele origin: germline.

NM_000414.4(HSD17B4):c.1115C>T (p.Ser372Phe)

Gene: HSD17B4 (hydroxysteroid 17-beta dehydrogenase 4; plus strand). Cytogenetic location: 5q23.1.
Variant type: single nucleotide variant.
Coding change: c.1115C>T on transcript NM_000414.4 (MANE Select); coding-DNA position 1115, C replaced by T.
Protein change: p.Ser372Phe; replaces serine 372 with phenylalanine.
Molecular consequence: missense variant. On other transcripts: non-coding transcript variant (2).
Genome position (GRCh38, 1-based): chr5:119,499,459, C>T. VCF-style: chr5-119499459-C-T. GRCh37 (hg19) VCF-style: chr5-118835154-C-T.
Other names: c.1190C>T, p.Ser397Phe (NM_001199291.3); c.1061C>T, p.Ser354Phe (NM_001199292.2); c.1043C>T, p.Ser348Phe (NM_001292027.2); c.695C>T, p.Ser232Phe (NM_001292028.2); c.1106C>T, p.Ser369Phe (NM_001374497.1); c.1115C>T, p.Ser372Phe (NM_001374498.1); c.788C>T, p.Ser263Phe (NM_001374499.1); c.674C>T, p.Ser225Phe (NM_001374500.1); and 1 more; short protein forms S235F, S354F, S369F, S372F, S232F, S397F, S263F, S348F.
Identifiers: ClinVar variation 1512224 (VCV001512224.10), dbSNP rs1198548214, ClinGen allele CA360868161.